The following is an entry in ClinVar:

ClinVar aggregate classification (germline): Uncertain significance (1 of 4 stars; one submission).

Conditions:
Cardiovascular phenotype. Identifiers: MedGen CN230736.

Allele frequency attached by ClinVar (database versions not stated): gnomAD exomes below 0.00001; ExAC 0.00001; gnomAD 0.00001; TOPMed 0.00001; 1000 Genomes Project 0.00020; 1000 Genomes Project 30x 0.00031.
gnomAD v4.1: 4 of 1,598,566 alleles (0.00025%); highest among the groups gnomAD compares: African/African-American, 0.0054%; no homozygotes.

Submission:

Ambry Genetics
Classification: Uncertain significance for Cardiovascular phenotype. Last evaluated: 2024-01-17. Review status: criteria provided, single submitter. Criteria: Ambry Variant Classification Scheme 2023. Collection method: clinical testing. Allele origin: germline.
Comment: The p.C282S variant (also known as c.845G>C), located in coding exon 10 of the TECRL gene, results from a G to C substitution at nucleotide position 845. The cysteine at codon 282 is replaced by serine, an amino acid with dissimilar properties. This amino acid position is conserved. In addition, this alteration is predicted to be tolerated by in silico analysis. Based on the available evidence, the clinical significance of this alteration remains unclear.

NM_001010874.5(TECRL):c.845G>C (p.Cys282Ser)

Gene: TECRL (trans-2,3-enoyl-CoA reductase like; minus strand). Cytogenetic location: 4q13.1.
Variant type: single nucleotide variant.
Coding change: c.845G>C on transcript NM_001010874.5 (MANE Select); coding-DNA position 845, G replaced by C.
Protein change: p.Cys282Ser; replaces cysteine 282 with serine.
Molecular consequence: missense variant.
Genome position (GRCh38, 1-based): chr4:64,281,547, C>G on the plus strand (G>C on the coding strand, the complement: TECRL is on the minus strand). VCF-style: chr4-64281547-C-G. GRCh37 (hg19) VCF-style: chr4-65147265-C-G.
Other names: c.845G>C, p.Cys282Ser (NM_001363796.1); short protein forms C282S.
Identifiers: ClinVar variation 3232351 (VCV003232351.1), dbSNP rs531433742, ClinGen allele CA2935321.